The following is an entry in ClinVar:

ClinVar aggregate classification (germline): Uncertain significance (1 of 4 stars; one submission).

Conditions:
Hereditary cancer-predisposing syndrome. Also called: Neoplastic Syndromes, Hereditary; Tumor predisposition; Hereditary Cancer Syndrome; Hereditary neoplastic syndrome. Identifiers: Orphanet 140162, MedGen C0027672, MeSH D009386, MONDO:0015356.

Submission:

Ambry Genetics
Classification: Uncertain significance for Hereditary cancer-predisposing syndrome. Last evaluated: 2026-03-23. Review status: criteria provided, single submitter. Criteria: Ambry Variant Classification Scheme 2023. Collection method: clinical testing. Allele origin: germline.
Comment: The p.E393D variant (also known as c.1179A>T), located in coding exon 9 of the BMPR1A gene, results from an A to T substitution at nucleotide position 1179. The glutamic acid at codon 393 is replaced by aspartic acid, an amino acid with highly similar properties. This amino acid position is conserved. In addition, the in silico prediction for this alteration is inconclusive. Based on the available evidence, the clinical significance of this variant remains unclear.

NM_004329.3(BMPR1A):c.1179A>T (p.Glu393Asp)

Gene: BMPR1A (bone morphogenetic protein receptor type 1A; plus strand). Cytogenetic location: 10q23.2.
Variant type: single nucleotide variant.
Coding change: c.1179A>T on transcript NM_004329.3 (MANE Select); coding-DNA position 1179, A replaced by T.
Protein change: p.Glu393Asp; replaces glutamic acid 393 with aspartic acid.
Molecular consequence: missense variant. On other transcripts: non-coding transcript variant (3).
Genome position (GRCh38, 1-based): chr10:86,921,532, A>T. VCF-style: chr10-86921532-A-T. GRCh37 (hg19) VCF-style: chr10-88681289-A-T.
Other names: c.1254A>T, p.Glu418Asp (NM_001406559.1); c.1227A>T, p.Glu409Asp (NM_001406560.1); c.1179A>T, p.Glu393Asp (NM_001406561.1, NM_001406562.1, NM_001406563.1 and 19 more transcripts); c.1173A>T, p.Glu391Asp (NM_001406583.1); c.1095A>T, p.Glu365Asp (NM_001406584.1, NM_001406585.1, NM_001406586.1 and 2 more transcripts); c.837A>T, p.Glu279Asp (NM_001406589.1); short protein forms E279D, E365D, E391D, E393D, E409D, E418D.
Identifiers: ClinVar variation 4867547 (VCV004867547.1).
Genomic context (GRCh38, chr10:86,921,532, plus strand): 5'-ATTTTATTTTTGGCCCTCAACTTGGACCTTGGCTTTCTTTTGTTTCAGTGACACAAATGA[A>T]GTTGATGTGCCCTTGAATACCAGGGTGGGCACCAAACGCTACATGGCTCCCGAAGTGCTG-3'
Protein context (NP_004320.2, residues 383-403): LAVKFNSDTN[Glu393Asp]VDVPLNTRVG